The following is an entry in ClinVar:

NM_024589.3(ROGDI):c.331C>T (p.Gln111Ter)

Gene: ROGDI (rogdi atypical leucine zipper; minus strand). Cytogenetic location: 16p13.3.
Variant type: single nucleotide variant.
Coding change: c.331C>T on transcript NM_024589.3 (MANE Select); coding-DNA position 331, C replaced by T.
Protein change: p.Gln111Ter; replaces glutamine 111 with a stop codon.
Molecular consequence: nonsense. On other transcripts: non-coding transcript variant (1).
Genome position (GRCh38, 1-based): chr16:4,800,503, G>A on the plus strand (C>T on the coding strand, the complement: ROGDI is on the minus strand). VCF-style: chr16-4800503-G-A. GRCh37 (hg19) VCF-style: chr16-4850504-G-A.
Other names: short protein forms Q111*.
Identifiers: ClinVar variation 2871016 (VCV002871016.3), dbSNP rs2505724467, ClinGen allele CA394653964.

ClinVar aggregate classification (germline): Pathogenic (1 of 4 stars; one submission).

Conditions:
Amelocerebrohypohidrotic syndrome (KTZS). Also called: EPILEPSY AND YELLOW TEETH; EPILEPSY, DEMENTIA, AND AMELOGENESIS IMPERFECTA; KOHLSCHUTTER SYNDROME; Kohlschutter's syndrome. Identifiers: Orphanet 1946, MedGen C0406740, MONDO:0009185, OMIM 226750.

Allele frequency attached by ClinVar (database versions not stated): gnomAD exomes below 0.00001.
gnomAD v4.1: 1 of 1,555,074 alleles (0.000064%); highest among the groups gnomAD compares: Non-Finnish European, 0.000087%; no homozygotes.

Submission:

Labcorp Genetics (formerly Invitae), Labcorp
Classification: Pathogenic for Amelocerebrohypohidrotic syndrome. Last evaluated: 2023-05-04. Review status: criteria provided, single submitter. Criteria: Invitae Variant Classification Sherloc (09022015). Collection method: clinical testing. Allele origin: germline.
Comment: This variant is not present in population databases (gnomAD no frequency). For these reasons, this variant has been classified as Pathogenic. This variant has not been reported in the literature in individuals affected with ROGDI-related conditions. This sequence change creates a premature translational stop signal (p.Gln111*) in the ROGDI gene. It is expected to result in an absent or disrupted protein product. Loss-of-function variants in ROGDI are known to be pathogenic (PMID: 22424600, 23086778).

Literature cited by the submitters: PubMed 22424600; PubMed 23086778.